The following is an entry in ClinVar:

ClinVar aggregate classification (germline): Pathogenic (1 of 4 stars; one submission).

Conditions:
Phenylketonuria (PKU). Also called: Phenylketonurias; FOLLING DISEASE; OLIGOPHRENIA PHENYLPYRUVICA; Phenylketonuria (PKU). Identifiers: Orphanet 716, MedGen C0031485, MONDO:0009861, OMIM 261600. Disease mechanism: loss of function.

Submission:

Labcorp Genetics (formerly Invitae), Labcorp
Classification: Pathogenic for Phenylketonuria. Last evaluated: 2024-03-26. Review status: criteria provided, single submitter. Criteria: Invitae Variant Classification Sherloc (09022015). Collection method: clinical testing. Allele origin: germline.
Comment: This sequence change replaces proline, which is neutral and non-polar, with leucine, which is neutral and non-polar, at codon 362 of the PAH protein (p.Pro362Leu). This variant is not present in population databases (gnomAD no frequency). This missense change has been observed in individual(s) with phenylketonuria (PMID: 19915519, 26503515, 32668217; BIOPKU). Advanced modeling of protein sequence and biophysical properties (such as structural, functional, and spatial information, amino acid conservation, physicochemical variation, residue mobility, and thermodynamic stability) performed at Invitae indicates that this missense variant is not expected to disrupt PAH protein function with a negative predictive value of 80%. This variant disrupts the p.Pro362 amino acid residue in PAH. Other variant(s) that disrupt this residue have been determined to be pathogenic (PMID: 18247293, 32668217). This suggests that this residue is clinically significant, and that variants that disrupt this residue are likely to be disease-causing. For these reasons, this variant has been classified as Pathogenic.

Literature cited by the submitters: PubMed 19915519; PubMed 26503515; PubMed 32668217; PubMed 18247293.

NM_000277.3(PAH):c.1085C>T (p.Pro362Leu)

Gene: PAH (phenylalanine hydroxylase; minus strand). Cytogenetic location: 12q23.2.
Variant type: single nucleotide variant.
Coding change: c.1085C>T on transcript NM_000277.3 (MANE Select); coding-DNA position 1085, C replaced by T.
Protein change: p.Pro362Leu; replaces proline 362 with leucine.
Molecular consequence: missense variant.
Genome position (GRCh38, 1-based): chr12:102,843,760, G>A on the plus strand (C>T on the coding strand, the complement: PAH is on the minus strand). VCF-style: chr12-102843760-G-A. GRCh37 (hg19) VCF-style: chr12-103237538-G-A.
Other names: c.1085C>T, p.Pro362Leu (NM_001354304.2); short protein forms P362L.
Identifiers: ClinVar variation 2735932 (VCV002735932.3), dbSNP rs1592947563, ClinGen allele CA16020937.